The following is an entry in ClinVar:

NM_001184.4(ATR):c.3772C>G (p.His1258Asp)

Gene: ATR (ATR checkpoint kinase; minus strand). Cytogenetic location: 3q23.
Variant type: single nucleotide variant.
Coding change: c.3772C>G on transcript NM_001184.4 (MANE Select); coding-DNA position 3772, C replaced by G.
Protein change: p.His1258Asp; replaces histidine 1258 with aspartic acid.
Molecular consequence: missense variant.
Genome position (GRCh38, 1-based): chr3:142,536,155, G>C on the plus strand (C>G on the coding strand, the complement: ATR is on the minus strand). VCF-style: chr3-142536155-G-C. GRCh37 (hg19) VCF-style: chr3-142254997-G-C.
Other names: c.3580C>G, p.His1194Asp (NM_001354579.2); short protein forms H1258D, H1194D.
Identifiers: ClinVar variation 1734774 (VCV001734774.5), dbSNP rs765654800, ClinGen allele CA2650004.

ClinVar aggregate classification (germline): Uncertain significance. Review status: criteria provided, multiple submitters, no conflicts (2 of 4 stars). 2 submissions from 2 submitters: Uncertain significance (2). Last evaluated 2024-03-27.

Conditions:
Inborn genetic diseases. Identifiers: MedGen C0950123, MeSH D030342.

Allele frequency attached by ClinVar (database versions not stated): TOPMed below 0.00001; gnomAD 0.00001; gnomAD exomes 0.00001; ExAC 0.00002.

Submissions (2):

Ambry Genetics
Classification: Uncertain significance for Inborn genetic diseases. Last evaluated: 2024-03-27. Review status: criteria provided, single submitter. Criteria: Ambry Variant Classification Scheme 2023. Collection method: clinical testing. Allele origin: germline.
Comment: The p.H1258D variant (also known as c.3772C>G), located in coding exon 20 of the ATR gene, results from a C to G substitution at nucleotide position 3772. The histidine at codon 1258 is replaced by aspartic acid, an amino acid with similar properties. This amino acid position is conserved. In addition, the in silico prediction for this alteration is inconclusive. Since supporting evidence is limited at this time, the clinical significance of this alteration remains unclear.

Labcorp Genetics (formerly Invitae), Labcorp
Classification: Uncertain significance. Last evaluated: 2022-09-23. Review status: criteria provided, single submitter. Criteria: Invitae Variant Classification Sherloc (09022015). Collection method: clinical testing. Allele origin: germline.
Comment: This sequence change replaces histidine, which is basic and polar, with aspartic acid, which is acidic and polar, at codon 1258 of the ATR protein (p.His1258Asp). This variant is present in population databases (rs765654800, gnomAD 0.02%). This variant has not been reported in the literature in individuals affected with ATR-related conditions. Algorithms developed to predict the effect of missense changes on protein structure and function are either unavailable or do not agree on the potential impact of this missense change (SIFT: "Deleterious"; PolyPhen-2: "Possibly Damaging"; Align-GVGD: "Class C15"). In summary, the available evidence is currently insufficient to determine the role of this variant in disease. Therefore, it has been classified as a Variant of Uncertain Significance.